The following is an entry in ClinVar:

NM_020937.4(FANCM):c.898A>G (p.Ile300Val)

Gene: FANCM (FA complementation group M; plus strand). Cytogenetic location: 14q21.2.
Variant type: single nucleotide variant.
Coding change: c.898A>G on transcript NM_020937.4 (MANE Select); coding-DNA position 898, A replaced by G.
Protein change: p.Ile300Val; replaces isoleucine 300 with valine.
Molecular consequence: missense variant.
Genome position (GRCh38, 1-based): chr14:45,148,975, A>G. VCF-style: chr14-45148975-A-G. GRCh37 (hg19) VCF-style: chr14-45618178-A-G.
Other names: c.820A>G, p.Ile274Val (NM_001308133.2); c.898A>G, p.Ile300Val (NM_001308134.2); short protein forms I274V, I300V.
Identifiers: ClinVar variation 1382518 (VCV001382518.6), dbSNP rs749659002, ClinGen allele CA7168873.

ClinVar aggregate classification (germline): Uncertain significance (1 of 4 stars; one submission).

Conditions:
Fanconi anemia (FA). Also called: Fanconi's anemia. Identifiers: Orphanet 84, MedGen C0015625, MeSH D005199, MONDO:0019391.

Allele frequency attached by ClinVar (database versions not stated): gnomAD exomes 0.00001; ExAC 0.00002.
gnomAD v4.1: 10 of 1,613,856 alleles (0.00062%); highest among the groups gnomAD compares: Admixed American, 0.0017%; no homozygotes.

Submission:

Labcorp Genetics (formerly Invitae), Labcorp
Classification: Uncertain significance for Fanconi anemia. Last evaluated: 2024-06-12. Review status: criteria provided, single submitter. Criteria: Invitae Variant Classification Sherloc (09022015). Collection method: clinical testing. Allele origin: germline.
Comment: This sequence change replaces isoleucine, which is neutral and non-polar, with valine, which is neutral and non-polar, at codon 300 of the FANCM protein (p.Ile300Val). This variant is present in population databases (rs749659002, gnomAD 0.003%). This variant has not been reported in the literature in individuals affected with FANCM-related conditions. ClinVar contains an entry for this variant (Variation ID: 1382518). Algorithms developed to predict the effect of missense changes on protein structure and function output the following: SIFT: "Not Available"; PolyPhen-2: "Benign"; Align-GVGD: "Not Available". The valine amino acid residue is found in multiple mammalian species, which suggests that this missense change does not adversely affect protein function. In summary, the available evidence is currently insufficient to determine the role of this variant in disease. Therefore, it has been classified as a Variant of Uncertain Significance.